The following is an entry in ClinVar:

NM_145059.3(FCSK):c.1715C>T (p.Pro572Leu)

Gene: FCSK (fucose kinase; plus strand). Cytogenetic location: 16q22.1.
Variant type: single nucleotide variant.
Coding change: c.1715C>T on transcript NM_145059.3 (MANE Select); coding-DNA position 1715, C replaced by T.
Protein change: p.Pro572Leu; replaces proline 572 with leucine.
Molecular consequence: missense variant.
Genome position (GRCh38, 1-based): chr16:70,473,291, C>T. VCF-style: chr16-70473291-C-T. GRCh37 (hg19) VCF-style: chr16-70507194-C-T.
Other names: short protein forms P572L.
Identifiers: ClinVar variation 1908940 (VCV001908940.5), dbSNP rs763516720, ClinGen allele CA8143408.
Genomic context (GRCh38, chr16:70,473,291, plus strand): 5'-GCCAGGCCCTGCATAAGGCGCGGCACGTGCTGGAGGCCCGGCAGGACCTCAGCCTGCGCC[C>T]GCTGATCTGGGCTGCTGTCCGCGAGGGCTGCCCCGGGCCCCTGCTGGCCACGCTGGACCA-3'
Protein context (NP_659496.2, residues 562-582): LEARQDLSLR[Pro572Leu]LIWAAVREGC

ClinVar aggregate classification (germline): Uncertain significance (1 of 4 stars; one submission).

Allele frequency attached by ClinVar (database versions not stated): ExAC 0.00011.
gnomAD v4.1: 26 of 1,528,496 alleles (0.0017%); highest among the groups gnomAD compares: African/African-American, 0.012%; no homozygotes.

Submission:

Labcorp Genetics (formerly Invitae), Labcorp
Classification: Uncertain significance. Last evaluated: 2026-01-27. Review status: criteria provided, single submitter. Criteria: Invitae Variant Classification Sherloc (09022015). Collection method: clinical testing. Allele origin: germline.
Comment: This sequence change replaces proline, which is neutral and non-polar, with leucine, which is neutral and non-polar, at codon 572 of the FUK protein (p.Pro572Leu). This variant is present in population databases (rs763516720, gnomAD 0.007%). This variant has not been reported in the literature in individuals affected with FUK-related conditions. ClinVar contains an entry for this variant (Variation ID: 1908940). An algorithm developed to predict the effect of missense changes on protein structure and function (PolyPhen-2) suggests that this variant is likely to be disruptive. In summary, the available evidence is currently insufficient to determine the role of this variant in disease. Therefore, it has been classified as a Variant of Uncertain Significance.